The following is an entry in ClinVar:

ClinVar aggregate classification (germline): Uncertain significance. Review status: criteria provided, multiple submitters, no conflicts (2 of 4 stars). 2 submissions from 2 submitters: Uncertain significance (2). Last evaluated 2025-08-04.

Conditions:
Inborn genetic diseases. Identifiers: MedGen C0950123, MeSH D030342.

Allele frequency attached by ClinVar (database versions not stated): gnomAD exomes below 0.00001 and 0.00002; ExAC 0.00001; TOPMed 0.00002; gnomAD 0.00003.
gnomAD v4.1: 38 of 1,612,578 alleles (0.0024%); highest among the groups gnomAD compares: Non-Finnish European, 0.0032%; no homozygotes.

Submissions (2):

Labcorp Genetics (formerly Invitae), Labcorp
Classification: Uncertain significance. Last evaluated: 2025-08-04. Review status: criteria provided, single submitter. Criteria: Invitae Variant Classification Sherloc (09022015). Collection method: clinical testing. Allele origin: germline.
Comment: This sequence change replaces proline, which is neutral and non-polar, with serine, which is neutral and polar, at codon 567 of the COL9A3 protein (p.Pro567Ser). The frequency data for this variant in the population databases is considered unreliable, as metrics indicate poor data quality at this position in the gnomAD database. This variant has not been reported in the literature in individuals affected with COL9A3-related conditions. ClinVar contains an entry for this variant (Variation ID: 1496635). Invitae Evidence Modeling of protein sequence and biophysical properties (such as structural, functional, and spatial information, amino acid conservation, physicochemical variation, residue mobility, and thermodynamic stability) indicates that this missense variant is not expected to disrupt COL9A3 protein function with a negative predictive value of 95%. In summary, the available evidence is currently insufficient to determine the role of this variant in disease. Therefore, it has been classified as a Variant of Uncertain Significance.

Ambry Genetics
Classification: Uncertain significance for Inborn genetic diseases. Last evaluated: 2025-08-03. Review status: criteria provided, single submitter. Criteria: Ambry Variant Classification Scheme 2023. Collection method: clinical testing. Allele origin: germline.

NM_001853.4(COL9A3):c.1699C>T (p.Pro567Ser)

Gene: COL9A3 (collagen type IX alpha 3 chain; plus strand). Cytogenetic location: 20q13.33.
Variant type: single nucleotide variant.
Coding change: c.1699C>T on transcript NM_001853.4 (MANE Select); coding-DNA position 1699, C replaced by T.
Protein change: p.Pro567Ser; replaces proline 567 with serine.
Molecular consequence: missense variant.
Genome position (GRCh38, 1-based): chr20:62,837,178, C>T. VCF-style: chr20-62837178-C-T. GRCh37 (hg19) VCF-style: chr20-61468530-C-T.
Other names: c.1699C>T (NM_001853.3); short protein forms P567S.
Identifiers: ClinVar variation 1496635 (VCV001496635.9), dbSNP rs781035806, ClinGen allele CA9950158.